The following is an entry in ClinVar:

NM_001201543.2(FAM161A):c.1100C>G (p.Ser367Ter)

Gene: FAM161A (FAM161 centrosomal protein A; minus strand). Cytogenetic location: 2p15.
Variant type: single nucleotide variant.
Coding change: c.1100C>G on transcript NM_001201543.2 (MANE Select); coding-DNA position 1100, C replaced by G.
Protein change: p.Ser367Ter; replaces serine 367 with a stop codon.
Molecular consequence: nonsense. On other transcripts: non-coding transcript variant (1).
Genome position (GRCh38, 1-based): chr2:61,839,904, G>C on the plus strand (C>G on the coding strand, the complement: FAM161A is on the minus strand). VCF-style: chr2-61839904-G-C. GRCh37 (hg19) VCF-style: chr2-62067039-G-C.
Other names: c.1100C>G, p.Ser367Ter (NM_032180.3); short protein forms S367*.
Identifiers: ClinVar variation 4736307 (VCV004736307.1).

ClinVar aggregate classification (germline): Pathogenic (1 of 4 stars; one submission).

Submission:

Labcorp Genetics (formerly Invitae), Labcorp
Classification: Pathogenic. Last evaluated: 2026-01-27. Review status: criteria provided, single submitter. Criteria: Invitae Variant Classification Sherloc (09022015). Collection method: clinical testing. Allele origin: germline.
Comment: This sequence change creates a premature translational stop signal (p.Ser367*) in the FAM161A gene. It is expected to result in an absent or disrupted protein product. Loss-of-function variants in FAM161A are known to be pathogenic (PMID: 20705278, 20705279, 24651477). This variant is not present in population databases (gnomAD no frequency). This variant has not been reported in the literature in individuals affected with FAM161A-related conditions. For these reasons, this variant has been classified as Pathogenic.

Literature cited by the submitters: PubMed 20705278; PubMed 20705279; PubMed 24651477.